The following is an entry in ClinVar:

ClinVar aggregate classification (germline): Conflicting classifications of pathogenicity. Review status: criteria provided, conflicting classifications (1 of 4 stars). 4 submissions from 4 submitters: Uncertain significance (2); Benign (1); Likely benign (1). Last evaluated 2025-11-26.

Conditions:
Hereditary cancer-predisposing syndrome. Also called: Hereditary Cancer Syndrome; Neoplastic Syndromes, Hereditary; Hereditary neoplastic syndrome; Tumor predisposition. Identifiers: Orphanet 140162, MedGen C0027672, MeSH D009386, MONDO:0015356.
Tuberous sclerosis 2 (TSC2). Identifiers: Orphanet 805, MedGen C1860707, MONDO:0013199, OMIM 613254.

Allele frequency attached by ClinVar (database versions not stated): gnomAD exomes below 0.00001 and 0.00001; ExAC 0.00001; TOPMed 0.00001.
gnomAD v4.1: 1 of 1,613,724 alleles (0.000062%); highest among the groups gnomAD compares: East Asian, 0.0022%; no homozygotes.

Submissions (4):

Ambry Genetics
Classification: Uncertain significance for Hereditary cancer-predisposing syndrome. Last evaluated: 2025-11-26. Review status: criteria provided, single submitter. Criteria: Ambry Variant Classification Scheme 2023. Collection method: clinical testing. Allele origin: germline.
Comment: The p.D559V variant (also known as c.1676A>T), located in coding exon 15 of the TSC2 gene, results from an A to T substitution at nucleotide position 1676. The aspartic acid at codon 559 is replaced by valine, an amino acid with highly dissimilar properties. This amino acid position is highly conserved in available vertebrate species. In addition, this alteration is predicted to be deleterious by in silico analysis. Based on the available evidence, the clinical significance of this variant remains unclear.

Labcorp Genetics (formerly Invitae), Labcorp
Classification: Benign for Tuberous sclerosis 2. Last evaluated: 2025-08-30. Review status: criteria provided, single submitter. Criteria: Invitae Variant Classification Sherloc (09022015). Collection method: clinical testing. Allele origin: germline.

Myriad Genetics, Inc.
Classification: Likely benign for Tuberous sclerosis 2. Last evaluated: 2025-05-15. Review status: criteria provided, single submitter. Criteria: Myriad Autosomal Dominant, Autosomal Recessive and X-Linked Classification Criteria (2023). Collection method: clinical testing. Allele origin: unknown.
Comment: This variant is considered likely benign. This variant has been observed at a population frequency that is significantly greater than expected given the associated disease prevalence and penetrance.

GeneDx
Classification: Uncertain significance. Last evaluated: 2023-03-27. Review status: criteria provided, single submitter. Criteria: GeneDx Variant Classification Process June 2021. Collection method: clinical testing. Allele origin: germline. Affected: yes.
Comment: In silico analysis supports that this missense variant has a deleterious effect on protein structure/function; Has not been previously published as pathogenic or benign to our knowledge

NM_000548.5(TSC2):c.1676A>T (p.Asp559Val)

Gene: TSC2 (TSC complex subunit 2; plus strand). Cytogenetic location: 16p13.3.
Variant type: single nucleotide variant.
Coding change: c.1676A>T on transcript NM_000548.5 (MANE Select); coding-DNA position 1676, A replaced by T.
Protein change: p.Asp559Val; replaces aspartic acid 559 with valine.
Molecular consequence: missense variant.
Genome position (GRCh38, 1-based): chr16:2,065,595, A>T. VCF-style: chr16-2065595-A-T. GRCh37 (hg19) VCF-style: chr16-2115596-A-T.
Other names: c.1676A>T, p.Asp559Val (NM_001077183.3, NM_001114382.3, NM_001363528.2 and 3 more transcripts); c.1565A>T, p.Asp522Val (NM_001318827.2); c.1529A>T, p.Asp510Val (NM_001318829.2); c.1076A>T, p.Asp359Val (NM_001318831.2); c.1709A>T, p.Asp570Val (NM_001318832.2); short protein forms D510V, D522V, D570V, D559V, D359V.
Identifiers: ClinVar variation 819765 (VCV000819765.11), dbSNP rs767619776, ClinGen allele CA032194.